The following is an entry in ClinVar:

NM_182914.3(SYNE2):c.20566C>T (p.Arg6856Trp)

Gene: SYNE2 (spectrin repeat containing nuclear envelope protein 2; plus strand). Cytogenetic location: 14q23.2.
Variant type: single nucleotide variant.
Coding change: c.20566C>T on transcript NM_182914.3 (MANE Select); coding-DNA position 20566, C replaced by T.
Protein change: p.Arg6856Trp; replaces arginine 6856 with tryptophan.
Molecular consequence: missense variant.
Genome position (GRCh38, 1-based): chr14:64,225,368, C>T. VCF-style: chr14-64225368-C-T. GRCh37 (hg19) VCF-style: chr14-64692086-C-T.
Other names: c.20566C>T (NM_182914.2); c.20500C>T, p.Arg6834Trp (NM_015180.6); c.1132C>T, p.Arg378Trp (NM_182910.2); c.1513C>T, p.Arg505Trp (NM_182913.4); short protein forms R6834W, R6856W, R378W, R505W.
Identifiers: ClinVar variation 2035328 (VCV002035328.10), dbSNP rs752809741, ClinGen allele CA7224953.
Genomic context (GRCh38, chr14:64,225,368, plus strand): 5'-TCTGTTGGCAGGGTCCCCGGCAGCACACGGCCACAGCGCTCCTTCCTCTCAAGGGTGGTC[C>T]GGGCAGCCCTACCCCTGCAGCTGCTCCTCCTGCTGCTGCTGCTCCTGGCCTGCCTGCTGC-3'
Protein context (NP_878918.2, residues 6846-6866): PQRSFLSRVV[Arg6856Trp]AALPLQLLLL

ClinVar aggregate classification (germline): Conflicting classifications of pathogenicity. Review status: criteria provided, conflicting classifications (1 of 4 stars). 4 submissions from 4 submitters: Uncertain significance (3); Likely benign (1). Last evaluated 2026-01-01.

Conditions:
Emery-Dreifuss muscular dystrophy 5, autosomal dominant (EDMD5). Also called: EMERY-DREIFUSS MUSCULAR DYSTROPHY 5. Identifiers: Orphanet 261, MedGen C2751805, MONDO:0013072, OMIM 612999.

Allele frequency attached by ClinVar (database versions not stated): ExAC 0.00002; gnomAD 0.00002; gnomAD exomes 0.00002; TOPMed 0.00002.
gnomAD v4.1: 25 of 1,614,024 alleles (0.0015%); highest among the groups gnomAD compares: South Asian, 0.013%; no homozygotes.

Submissions (4):

CeGaT Center for Human Genetics Tuebingen
Classification: Likely benign. Last evaluated: 2026-01-01. Review status: criteria provided, single submitter. Criteria: CeGaT Center For Human Genetics Tuebingen Variant Classification Criteria Version 2. Collection method: clinical testing. Allele origin: germline. Affected: yes. Observed: 1 variant allele.
Comment: SYNE2: BP4

Women's Health and Genetics/Laboratory Corporation of America, LabCorp
Classification: Uncertain significance. Last evaluated: 2025-05-13. Review status: criteria provided, single submitter. Criteria: LabCorp Variant Classification Summary - May 2015. Collection method: clinical testing. Allele origin: germline.
Comment: Variant summary: SYNE2 c.20566C>T (p.Arg6856Trp) results in a non-conservative amino acid change in the encoded protein sequence. Algorithms developed to predict the effect of missense changes on protein structure and function are either unavailable or do not agree on the potential impact of this missense change. The variant allele was found at a frequency of 4.4e-05 in 248928 control chromosomes. This frequency is not significantly higher than estimated for a pathogenic variant in SYNE2 causing Emery-Dreifuss muscular dystrophy 5, autosomal dominant, allowing no conclusion about variant significance. To our knowledge, no occurrence of c.20566C>T in individuals affected with Emery-Dreifuss muscular dystrophy 5, autosomal dominant and no experimental evidence demonstrating its impact on protein function have been reported. ClinVar contains an entry for this variant (Variation ID: 2035328). Based on the evidence outlined above, the variant was classified as uncertain significance.

Ambry Genetics
Classification: Uncertain significance. Last evaluated: 2024-12-11. Review status: criteria provided, single submitter. Criteria: Ambry Variant Classification Scheme 2023. Collection method: clinical testing. Allele origin: germline.

Labcorp Genetics (formerly Invitae), Labcorp
Classification: Uncertain significance for Emery-Dreifuss muscular dystrophy 5, autosomal dominant. Last evaluated: 2024-10-18. Review status: criteria provided, single submitter. Criteria: Invitae Variant Classification Sherloc (09022015). Collection method: clinical testing. Allele origin: germline.
Comment: This sequence change replaces arginine, which is basic and polar, with tryptophan, which is neutral and slightly polar, at codon 6856 of the SYNE2 protein (p.Arg6856Trp). This variant is present in population databases (rs752809741, gnomAD 0.02%). This variant has not been reported in the literature in individuals affected with SYNE2-related conditions. ClinVar contains an entry for this variant (Variation ID: 2035328). An algorithm developed to predict the effect of missense changes on protein structure and function (PolyPhen-2) suggests that this variant is likely to be tolerated. In summary, the available evidence is currently insufficient to determine the role of this variant in disease. Therefore, it has been classified as a Variant of Uncertain Significance.